The following is an entry in ClinVar:

NM_001370466.1(NOD2):c.1154A>T (p.Gln385Leu)

Gene: NOD2 (nucleotide binding oligomerization domain containing 2; plus strand). Cytogenetic location: 16q12.1.
Variant type: single nucleotide variant.
Coding change: c.1154A>T on transcript NM_001370466.1 (MANE Select); coding-DNA position 1154, A replaced by T.
Protein change: p.Gln385Leu; replaces glutamine 385 with leucine.
Molecular consequence: missense variant. On other transcripts: non-coding transcript variant (1).
Genome position (GRCh38, 1-based): chr16:50,711,146, A>T. VCF-style: chr16-50711146-A-T. GRCh37 (hg19) VCF-style: chr16-50745057-A-T.
Other names: c.1154A>T, p.Gln385Leu (NM_001293557.2); c.1235A>T, p.Gln412Leu (NM_022162.3); short protein forms Q385L, Q412L.
Identifiers: ClinVar variation 3754273 (VCV003754273.2).

ClinVar aggregate classification (germline): Uncertain significance (1 of 4 stars; one submission).

Conditions:
Regional enteritis. Also called: Enteritis, Granulomatous. Identifiers: MedGen C0678202, MeSH D003424.
Blau syndrome (BLAUS). Also called: ARTHROCUTANEOUVEAL GRANULOMATOSIS; GRANULOMATOSIS, FAMILIAL JUVENILE SYSTEMIC; GRANULOMATOSIS, FAMILIAL, BLAU TYPE; GRANULOMATOUS INFLAMMATORY ARTHRITIS, DERMATITIS, AND UVEITIS, FAMILIAL; JABS SYNDROME. Identifiers: Orphanet 90340, MedGen C5201146, MONDO:0008523, OMIM 186580.

Submission:

Labcorp Genetics (formerly Invitae), Labcorp
Classification: Uncertain significance for Regional enteritis; Blau syndrome. Last evaluated: 2024-10-30. Review status: criteria provided, single submitter. Criteria: Invitae Variant Classification Sherloc (09022015). Collection method: clinical testing. Allele origin: germline.
Comment: This sequence change replaces glutamine, which is neutral and polar, with leucine, which is neutral and non-polar, at codon 412 of the NOD2 protein (p.Gln412Leu). This variant is not present in population databases (gnomAD no frequency). This variant has not been reported in the literature in individuals affected with NOD2-related conditions. Invitae Evidence Modeling of protein sequence and biophysical properties (such as structural, functional, and spatial information, amino acid conservation, physicochemical variation, residue mobility, and thermodynamic stability) has been performed for this missense variant. However, the output from this modeling did not meet the statistical confidence thresholds required to predict the impact of this variant on NOD2 protein function. In summary, the available evidence is currently insufficient to determine the role of this variant in disease. Therefore, it has been classified as a Variant of Uncertain Significance.